The following is an entry in ClinVar:

NM_001999.4(FBN2):c.1231+37C>G

Gene: FBN2 (fibrillin 2; minus strand). Cytogenetic location: 5q23.3.
Variant type: single nucleotide variant.
Coding change: c.1231+37C>G on transcript NM_001999.4 (MANE Select); 37 bases into the intron after coding-DNA position 1231, C replaced by G.
Molecular consequence: intron variant.
Genome position (GRCh38, 1-based): chr5:128,395,085, G>C on the plus strand (C>G on the coding strand, the complement: FBN2 is on the minus strand). VCF-style: chr5-128395085-G-C. GRCh37 (hg19) VCF-style: chr5-127730778-G-C.
Identifiers: ClinVar variation 258507 (VCV000258507.3), dbSNP rs28763953, ClinGen allele CA3395853.

ClinVar aggregate classification (germline): Likely benign. Review status: criteria provided, multiple submitters, no conflicts (2 of 4 stars). 3 submissions from 3 submitters: Likely benign (3). Last evaluated 2018-06-14.

Allele frequency attached by ClinVar (database versions not stated): 1000 Genomes Project 0.01977; gnomAD 0.03051 and 0.03099; ExAC 0.03271; gnomAD exomes 0.03501 and 0.04399; ESP Exome Variant Server 0.03260; 1000 Genomes Project 30x 0.02061; TOPMed 0.03059.
gnomAD v4.1: 68,700 of 1,611,942 alleles (4.3%); highest among the groups gnomAD compares: Non-Finnish European, 4.8%; 1,664 homozygotes.

Submissions (3):

GeneDx
Classification: Likely benign. Last evaluated: 2018-06-14. Review status: criteria provided, single submitter. Criteria: GeneDx Variant Classification (06012015). Collection method: clinical testing. Allele origin: germline. Affected: yes.
Comment: This variant is considered likely benign or benign based on one or more of the following criteria: it is a conservative change, it occurs at a poorly conserved position in the protein, it is predicted to be benign by multiple in silico algorithms, and/or has population frequency not consistent with disease.

Breakthrough Genomics
Classification: Likely benign. Review status: criteria provided, single submitter. Criteria: ACMG Guidelines, 2015. Collection method: not provided. Allele origin: germline. Inheritance: Autosomal dominant inheritance. Affected: yes.

PreventionGenetics, part of Exact Sciences
Classification: Likely benign. Review status: criteria provided, single submitter. Criteria: ACMG Guidelines, 2015. Collection method: clinical testing. Allele origin: germline.